The following is an entry in ClinVar:

NM_201384.3(PLEC):c.12141C>T (p.Ile4047=)

Gene: PLEC (plectin; minus strand). Cytogenetic location: 8q24.3.
Variant type: single nucleotide variant.
Coding change: c.12141C>T on transcript NM_201384.3 (MANE Select); coding-DNA position 12141, C replaced by T.
Protein change: p.Ile4047=; no amino-acid change (isoleucine 4047 retained).
Molecular consequence: synonymous variant.
Genome position (GRCh38, 1-based): chr8:143,917,680, G>A on the plus strand (C>T on the coding strand, the complement: PLEC is on the minus strand). VCF-style: chr8-143917680-G-A. GRCh37 (hg19) VCF-style: chr8-144991848-G-A.
Other names: c.12222C>T (NM_000445.4); c.12222C>T, p.Ile4074= (NM_000445.5); c.12099C>T, p.Ile4033= (NM_201378.4); c.12075C>T, p.Ile4025= (NM_201379.3); c.12552C>T, p.Ile4184= (NM_201380.4); c.12045C>T, p.Ile4015= (NM_201381.3); c.12141C>T, p.Ile4047= (NM_201382.4); c.12153C>T, p.Ile4051= (NM_201383.3).
Identifiers: ClinVar variation 1139305 (VCV001139305.11), dbSNP rs782237359, ClinGen allele CA4924173.
Genomic context (GRCh38, chr8:143,917,680, plus strand): 5'-GTAGGCCACCTCCACGGGCAGCCGGTGGCTCTCCTCAGGGTCGATGATGCCGCCCGTGGC[G>A]ATCTGGGCCTCCAGCAGGCGGATGCCATGGTCCTTCAGGATCAGGCCCTTCTTCATGGCC-3'
Protein context (NP_958786.1, residues 4037-4057): DHGIRLLEAQ[Ile4047=]ATGGIIDPEE

ClinVar aggregate classification (germline): Likely benign. Review status: criteria provided, single submitter (1 of 4 stars). 2 submissions from 2 submitters: Likely benign (1). 1 of the submissions does not count toward it. Last evaluated 2026-01-26.

Conditions:
PLEC-related disorder. Also called: PLEC-related disorders; PLEC-related condition.
Autosomal recessive limb-girdle muscular dystrophy type 2Q (LGMDR17). Also called: MUSCULAR DYSTROPHY, LIMB-GIRDLE, AUTOSOMAL RECESSIVE 17. Identifiers: Orphanet 254361, MedGen C3150989, MONDO:0013390, OMIM 613723.
Epidermolysis bullosa simplex 5B, with muscular dystrophy (EBS5B). Also called: Epidermolysis bullosa simplex with muscular dystrophy; EPIDERMOLYSIS BULLOSA SIMPLEX AND LIMB-GIRDLE MUSCULAR DYSTROPHY. Identifiers: Orphanet 257, MedGen C2931072, MONDO:0009181, OMIM 226670.
Epidermolysis bullosa simplex 5C, with pyloric atresia (EBS5C). Also called: PLEC1-Related Epidermolysis Bullosa with Pyloric Atresia; PLEC-Related Epidermolysis Bullosa with Pyloric Atresia; Epidermolysis bullosa simplex with pyloric atresia. Identifiers: Orphanet 158684, MedGen C2677349, MONDO:0012807, OMIM 612138.
Epidermolysis bullosa simplex, Ogna type (EBS5A). Also called: Pidermolysis bullosa simplex 5A, Ogna type; EPIDERMOLYSIS BULLOSA SIMPLEX 5A, OGNA TYPE. Identifiers: Orphanet 79401, MedGen C0432317, MONDO:0007555, OMIM 131950.
Epidermolysis bullosa simplex with nail dystrophy (EBS5D). Identifiers: MedGen C4225309, MONDO:0014661, OMIM 616487.

Allele frequency attached by ClinVar (database versions not stated): ExAC 0.00007; gnomAD exomes 0.00010.
gnomAD v4.1: 44 of 1,613,486 alleles (0.0027%); highest among the groups gnomAD compares: Admixed American, 0.045%; no homozygotes.

Submissions (2):

Labcorp Genetics (formerly Invitae), Labcorp
Classification: Likely benign for Autosomal recessive limb-girdle muscular dystrophy type 2Q; Epidermolysis bullosa simplex, Ogna type; Epidermolysis bullosa simplex with nail dystrophy; Epidermolysis bullosa simplex 5C, with pyloric atresia; Epidermolysis bullosa simplex 5B, with muscular dystrophy. Last evaluated: 2026-01-26. Review status: criteria provided, single submitter. Criteria: Invitae Variant Classification Sherloc (09022015). Collection method: clinical testing. Allele origin: germline.

PreventionGenetics, part of Exact Sciences
Classification: Likely benign for PLEC-related condition. Last evaluated: 2019-04-30. Review status: no assertion criteria provided. Collection method: clinical testing. Allele origin: germline. Not counted in ClinVar's aggregate classification.
Comment: This variant is classified as likely benign based on ACMG/AMP sequence variant interpretation guidelines (Richards et al. 2015 PMID: 25741868, with internal and published modifications).